The following is an entry in ClinVar:

NM_000245.4(MET):c.1871G>A (p.Cys624Tyr)

Gene: MET (MET proto-oncogene, receptor tyrosine kinase; plus strand). Cytogenetic location: 7q31.2.
Variant type: single nucleotide variant.
Coding change: c.1871G>A on transcript NM_000245.4 (MANE Select); coding-DNA position 1871, G replaced by A.
Protein change: p.Cys624Tyr; replaces cysteine 624 with tyrosine.
Molecular consequence: missense variant.
Genome position (GRCh38, 1-based): chr7:116,757,445, G>A. VCF-style: chr7-116757445-G-A. GRCh37 (hg19) VCF-style: chr7-116397499-G-A.
Other names: c.1871G>A, p.Cys624Tyr (NM_001127500.3, NM_001324401.3); c.581G>A, p.Cys194Tyr (NM_001324402.2); short protein forms C194Y, C624Y.
Identifiers: ClinVar variation 5024402 (VCV005024402.1).
Genomic context (GRCh38, chr7:116,757,445, plus strand): 5'-CCAGAAAATTCCTTGGATTTGTCATGTATTAAACTTTGGGTTTTTTTTCCAGATTGAAAT[G>A]CACAGTTGGTCCTGCCATGAATAAGCATTTCAATATGTCCATAATTATTTCAAATGGCCA-3'
Protein context (NP_000236.2, residues 614-634): LSESTMNTLK[Cys624Tyr]TVGPAMNKHF

ClinVar aggregate classification (germline): Uncertain significance (1 of 4 stars; one submission).

Conditions:
Hereditary cancer-predisposing syndrome. Also called: Neoplastic Syndromes, Hereditary; Tumor predisposition; Hereditary neoplastic syndrome; Hereditary Cancer Syndrome. Identifiers: Orphanet 140162, MedGen C0027672, MeSH D009386, MONDO:0015356.

Submission:

Ambry Genetics
Classification: Uncertain significance for Hereditary cancer-predisposing syndrome. Last evaluated: 2026-07-07. Review status: criteria provided, single submitter. Criteria: Ambry Variant Classification Scheme 2023. Collection method: clinical testing. Allele origin: germline.
Comment: The p.C624Y variant (also known as c.1871G>A), located in coding exon 6 of the MET gene, results from a G to A substitution at nucleotide position 1871. The cysteine at codon 624 is replaced by tyrosine, an amino acid with highly dissimilar properties. This amino acid position is conserved. In addition, this alteration is predicted to be deleterious by in silico analysis. Based on the available evidence, the clinical significance of this variant remains unclear.